The following is an entry in ClinVar:

NM_001282531.3(ADNP):c.150C>G (p.Asn50Lys)

Gene: ADNP (activity dependent neuroprotector homeobox; minus strand). Cytogenetic location: 20q13.13.
Variant type: single nucleotide variant.
Coding change: c.150C>G on transcript NM_001282531.3 (MANE Select); coding-DNA position 150, C replaced by G.
Protein change: p.Asn50Lys; replaces asparagine 50 with lysine.
Molecular consequence: missense variant.
Genome position (GRCh38, 1-based): chr20:50,902,068, G>C on the plus strand (C>G on the coding strand, the complement: ADNP is on the minus strand). VCF-style: chr20-50902068-G-C. GRCh37 (hg19) VCF-style: chr20-49518605-G-C.
Other names: c.150C>G, p.Asn50Lys (NM_001282532.2, NM_001347511.2, NM_015339.5 and 1 more transcripts); short protein forms N50K.
Identifiers: ClinVar variation 1723833 (VCV001723833.2), dbSNP rs771310564, ClinGen allele CA408981543.
Genomic context (GRCh38, chr20:50,902,068, plus strand): 5'-GCCACTTACCTGGTTTTTCGTAAGTGATGGGTCCCACAGTCCTACATCCTCCCATGTAGT[G>C]TTTTTCAAATAAAAGTCATTAGGTTCAAATTGTTTAAAATCCTAGAAAACAGTGAAATAA-3'
Protein context (NP_001269460.1, residues 40-60): QFEPNDFYLK[Asn50Lys]TTWEDVGLWD

ClinVar aggregate classification (germline): Uncertain significance (1 of 4 stars; one submission).

Submission:

GeneDx
Classification: Uncertain significance. Last evaluated: 2022-05-13. Review status: criteria provided, single submitter. Criteria: GeneDx Variant Classification Process June 2021. Collection method: clinical testing. Allele origin: germline. Affected: yes.
Comment: Not observed at significant frequency in large population cohorts (gnomAD); In silico analysis supports that this missense variant has a deleterious effect on protein structure/function; Has not been previously published as pathogenic or benign to our knowledge